The following is an entry in ClinVar:

ClinVar aggregate classification (germline): Likely benign (1 of 4 stars; one submission).

Conditions:
CEP164-related disorder. Also called: CEP164-related condition.

gnomAD v4.1: 8 of 1,614,124 alleles (0.0005%); highest among the groups gnomAD compares: Non-Finnish European, 0.00068%; no homozygotes.

Submission:

PreventionGenetics, part of Exact Sciences
Classification: Likely benign for CEP164-related condition. Last evaluated: 2025-09-10. Review status: criteria provided, single submitter. Criteria: ACMG Guidelines, 2015. Collection method: clinical testing. Allele origin: germline.
Comment: This variant is classified as likely benign based on ACMG/AMP sequence variant interpretation guidelines (Richards et al. 2015 PMID: 25741868, with internal and published modifications).

NM_014956.5(CEP164):c.1251C>T (p.Ser417=)

Gene: CEP164 (centrosomal protein 164; plus strand). Cytogenetic location: 11q23.3.
Variant type: single nucleotide variant.
Coding change: c.1251C>T on transcript NM_014956.5 (MANE Select); coding-DNA position 1251, C replaced by T.
Protein change: p.Ser417=; no amino-acid change (serine 417 retained).
Molecular consequence: synonymous variant.
Genome position (GRCh38, 1-based): chr11:117,375,725, C>T. VCF-style: chr11-117375725-C-T. GRCh37 (hg19) VCF-style: chr11-117246441-C-T.
Other names: c.1251C>T, p.Ser417= (NM_001271933.2, NM_001440949.1, NM_001440950.1 and 16 more transcripts); c.1173C>T, p.Ser391= (NM_001440952.1, NM_001440954.1, NM_001440955.1 and 16 more transcripts); c.1113C>T, p.Ser371= (NM_001440960.1); c.1092C>T, p.Ser364= (NM_001440972.1).
Identifiers: ClinVar variation 4977871 (VCV004977871.1).